The following is an entry in ClinVar:

ClinVar aggregate classification (germline): Uncertain significance (1 of 4 stars; one submission).

Allele frequency attached by ClinVar (database versions not stated): gnomAD 0.00001; gnomAD exomes 0.00001; TOPMed 0.00001.
gnomAD v4.1: 18 of 1,614,026 alleles (0.0011%); highest among the groups gnomAD compares: African/African-American, 0.0053%; no homozygotes.

Submission:

Labcorp Genetics (formerly Invitae), Labcorp
Classification: Uncertain significance. Last evaluated: 2023-11-07. Review status: criteria provided, single submitter. Criteria: Invitae Variant Classification Sherloc (09022015). Collection method: clinical testing. Allele origin: germline.
Comment: This sequence change creates a premature translational stop signal (p.Arg655*) in the ANKZF1 gene. It is expected to result in an absent or disrupted protein product. However, the current clinical and genetic evidence is not sufficient to establish whether loss-of-function variants in ANKZF1 cause disease. This variant is present in population databases (no rsID available, gnomAD 0.006%). This variant has not been reported in the literature in individuals affected with ANKZF1-related conditions. In summary, the available evidence is currently insufficient to determine the role of this variant in disease. Therefore, it has been classified as a Variant of Uncertain Significance.

NM_018089.3(ANKZF1):c.1963C>T (p.Arg655Ter)

Gene: ANKZF1 (ankyrin repeat and zinc finger peptidyl tRNA hydrolase 1; plus strand). Cytogenetic location: 2q35.
Variant type: single nucleotide variant.
Coding change: c.1963C>T on transcript NM_018089.3 (MANE Select); coding-DNA position 1963, C replaced by T.
Protein change: p.Arg655Ter; replaces arginine 655 with a stop codon.
Molecular consequence: nonsense.
Genome position (GRCh38, 1-based): chr2:219,235,867, C>T. VCF-style: chr2-219235867-C-T. GRCh37 (hg19) VCF-style: chr2-220100589-C-T.
Other names: c.1963C>T, p.Arg655Ter (NM_001042410.2); c.1333C>T, p.Arg445Ter (NM_001282792.2); short protein forms R655*, R445*.
Identifiers: ClinVar variation 2974858 (VCV002974858.3), dbSNP rs1473207265, ClinGen allele CA350688310.